The following is an entry in ClinVar:

ClinVar aggregate classification (germline): Uncertain significance. Review status: criteria provided, multiple submitters, no conflicts (2 of 4 stars). 6 submissions from 6 submitters: Uncertain significance (6). Last evaluated 2026-07-06.

Conditions:
Central core myopathy (CMYO1A). Also called: Central core disease; Myopathy, central fibrillar; CONGENITAL MYOPATHY 1A, AUTOSOMAL DOMINANT, WITH SUSCEPTIBILITY TO MALIGNANT HYPERTHERMIA. Identifiers: Orphanet 597, MedGen C5830701, MONDO:0007294, OMIM 117000.
Inborn genetic diseases. Identifiers: MedGen C0950123, MeSH D030342.
RYR1-related disorder. Also called: RYR1-related condition; RYR1-related disorders. Identifiers: MedGen CN239331.
Malignant hyperthermia, susceptibility to, 1 (MHS1). Also called: Anesthesia related hyperthermia; Malignant hyperpyrexia; Fulminating hyperpyrexia; Pharmacogenic myopathy; Malignant hyperthermia suceptibility 1; RYR1-Related Malignant Hyperthermia Susceptibility. Identifiers: Orphanet 423, MedGen C2930980, MONDO:0007783, OMIM 145600.

Allele frequency attached by ClinVar (database versions not stated): gnomAD 0.00001; TOPMed 0.00001; ExAC 0.00003.
gnomAD v4.1: 11 of 1,613,592 alleles (0.00068%); highest among the groups gnomAD compares: South Asian, 0.0022%; no homozygotes.

Submissions (6):

Ambry Genetics
Classification: Uncertain significance for Inborn genetic diseases. Last evaluated: 2026-07-06. Review status: criteria provided, single submitter. Criteria: Ambry Variant Classification Scheme 2023. Collection method: clinical testing. Allele origin: germline.
Comment: The p.S3235R variant (also known as c.9703A>C), located in coding exon 66 of the RYR1 gene, results from an A to C substitution at nucleotide position 9703. The serine at codon 3235 is replaced by arginine, an amino acid with dissimilar properties. This amino acid position is conserved. In addition, the in silico prediction for this alteration is inconclusive. Based on the available evidence, the clinical significance of this variant remains unclear.

Color Diagnostics, LLC DBA Color Health
Classification: Uncertain significance for Malignant hyperthermia, susceptibility to, 1. Last evaluated: 2025-06-23. Review status: criteria provided, single submitter. Criteria: ACMG Guidelines, 2015. Collection method: clinical testing. Allele origin: germline.
Comment: This missense variant replaces serine with arginine at codon 3235 of the RYR1 protein. Computational prediction suggests that this variant may not impact protein structure and function. To our knowledge, functional studies have not been reported for this variant. This variant has not been reported in individuals affected with RYR1-related disorders in the literature. This variant has been identified in 5/248200 chromosomes in the general population by the Genome Aggregation Database (gnomAD). The available evidence is insufficient to determine the role of this variant in disease conclusively. Therefore, this variant is classified as a Variant of Uncertain Significance.

Labcorp Genetics (formerly Invitae), Labcorp
Classification: Uncertain significance for RYR1-related disorder. Last evaluated: 2024-02-01. Review status: criteria provided, single submitter. Criteria: Invitae Variant Classification Sherloc (09022015). Collection method: clinical testing. Allele origin: germline.
Comment: This sequence change replaces serine, which is neutral and polar, with arginine, which is basic and polar, at codon 3235 of the RYR1 protein (p.Ser3235Arg). This variant is present in population databases (rs747488155, gnomAD 0.003%). This variant has not been reported in the literature in individuals affected with RYR1-related conditions. ClinVar contains an entry for this variant (Variation ID: 450330). Advanced modeling of protein sequence and biophysical properties (such as structural, functional, and spatial information, amino acid conservation, physicochemical variation, residue mobility, and thermodynamic stability) performed at Invitae indicates that this missense variant is not expected to disrupt RYR1 protein function with a negative predictive value of 95%. In summary, the available evidence is currently insufficient to determine the role of this variant in disease. Therefore, it has been classified as a Variant of Uncertain Significance.

MGZ Medical Genetics Center
Classification: Uncertain significance for Central core myopathy. Last evaluated: 2022-03-25. Review status: criteria provided, single submitter. Criteria: ACMG Guidelines, 2015. Collection method: clinical testing. Allele origin: germline. Affected: yes. Observed: 1 variant allele.
Comment: ACMG criteria applied: PM2_SUP, PP2

Institute of Human Genetics, University of Leipzig Medical Center
Classification: Uncertain significance for Malignant hyperthermia, susceptibility to, 1. Last evaluated: 2019-01-01. Review status: criteria provided, single submitter. Criteria: ACMG Guidelines, 2015. Collection method: clinical testing. Allele origin: unknown. Affected: yes.

GeneDx
Classification: Uncertain significance. Last evaluated: 2017-07-11. Review status: criteria provided, single submitter. Criteria: GeneDx Variant Classification (06012015). Collection method: clinical testing. Allele origin: germline. Affected: yes.
Comment: A variant of uncertain significance has been identified in the RYR1 gene. The S3235R variant has not been published as a pathogenic variant, nor has it been reported as a benign variant to our knowledge. The S3235R variant is observed in 1/16502 (0.01%) alleles from individuals of South Asian background (Lek et al., 2016; 1000 Genomes Consortium et al., 2015; Exome Variant Server). The S3235R variant is a semi-conservative amino acid substitution, which may impact secondary protein structure as these residues differ in some properties. This substitution occurs at a position that is conserved in mammals. However, in silico analysis predicts this variant likely does not alter the protein structure/function. Therefore, based on the currently available information, it is unclear whether this variant is a pathogenic variant or a rare benign variant.

NM_000540.3(RYR1):c.9703A>C (p.Ser3235Arg)

Gene: RYR1 (ryanodine receptor 1; plus strand). Cytogenetic location: 19q13.2.
Variant type: single nucleotide variant.
Coding change: c.9703A>C on transcript NM_000540.3 (MANE Select); coding-DNA position 9703, A replaced by C.
Protein change: p.Ser3235Arg; replaces serine 3235 with arginine.
Molecular consequence: missense variant.
Genome position (GRCh38, 1-based): chr19:38,517,376, A>C. VCF-style: chr19-38517376-A-C. GRCh37 (hg19) VCF-style: chr19-39008016-A-C.
Other names: c.9703A>C, p.Ser3235Arg (NM_001042723.2); short protein forms S3235R.
Identifiers: ClinVar variation 450330 (VCV000450330.15), dbSNP rs747488155, ClinGen allele CA074063.